The following is an entry in ClinVar:

ClinVar aggregate classification (germline): Uncertain significance (1 of 4 stars; one submission).

Conditions:
Baller-Gerold syndrome (BGS). Also called: CRANIOSYNOSTOSIS WITH RADIAL DEFECTS. Identifiers: Orphanet 1225, MedGen C0265308, MONDO:0009039, OMIM 218600.

Submission:

Labcorp Genetics (formerly Invitae), Labcorp
Classification: Uncertain significance for Baller-Gerold syndrome. Last evaluated: 2022-08-23. Review status: criteria provided, single submitter. Criteria: Invitae Variant Classification Sherloc (09022015). Collection method: clinical testing. Allele origin: germline.
Comment: Experimental studies and prediction algorithms are not available or were not evaluated, and the functional significance of this variant is currently unknown. In summary, the available evidence is currently insufficient to determine the role of this variant in disease. Therefore, it has been classified as a Variant of Uncertain Significance. This variant has not been reported in the literature in individuals affected with RECQL4-related conditions. This variant is not present in population databases (gnomAD no frequency). This variant results in the deletion of part of exons 18 and 19 (c.3228_3344del) of the RECQL4 gene. This variant would be expected to be in-frame, preserving the integrity of the reading frame.

NM_004260.4(RECQL4):c.3228_3344del117 (p.Phe1077_Glu1115del)

Gene: RECQL4 (RecQ like helicase 4; minus strand). Cytogenetic location: 8q24.3.
Variant type: Deletion.
Coding change: c.3228_3344del117 on transcript NM_004260.4 (MANE Select); coding-DNA positions 3228 to 3344, 117 bases deleted.
Protein change: p.Phe1077_Glu1115del.
Molecular consequence: splice acceptor variant, splice donor variant, inframe deletion. On other transcripts: inframe indel (26).
Genome position: GRCh38: chr8:144,511,960-144,512,152. GRCh37 (hg19): chr8:145,737,343-145,737,535.
Other names: c.2934_3050del117, p.Phe979_Glu1017del (NM_001413017.1); c.3030_3146del117, p.Phe1011_Glu1049del (NM_001413018.1); c.3303_3419del117, p.Phe1102_Glu1140del (NM_001413019.1); c.3132_3248del117, p.Phe1045_Glu1083del (NM_001413020.1); c.2157_2273del117, p.Phe720_Glu758del (NM_001413021.1, NM_001413034.1, NM_001413035.1 and 4 more transcripts); c.3096_3212del117, p.Phe1033_Glu1071del (NM_001413033.1); c.2091_2207del117, p.Phe698_Glu736del (NM_001413027.1, NM_001413030.1, NM_001413032.1); c.2877_2993del117, p.Phe960_Glu998del (NM_001413029.1); and 9 more.
Identifiers: ClinVar variation 2001638 (VCV002001638.4), ClinGen allele CA2580078780.